The following is an entry in ClinVar:

NM_001042424.3(NSD2):c.3881C>T (p.Ser1294Leu)

Gene: NSD2 (nuclear receptor binding SET domain protein 2; plus strand). Cytogenetic location: 4p16.3.
Variant type: single nucleotide variant.
Coding change: c.3881C>T on transcript NM_001042424.3 (MANE Select); coding-DNA position 3881, C replaced by T.
Protein change: p.Ser1294Leu; replaces serine 1294 with leucine.
Molecular consequence: missense variant.
Genome position (GRCh38, 1-based): chr4:1,978,692, C>T. VCF-style: chr4-1978692-C-T. GRCh37 (hg19) VCF-style: chr4-1980419-C-T.
Other names: c.3881C>T, p.Ser1294Leu (NM_133330.3, NM_133331.3, NM_133335.4); short protein forms S1294L.
Identifiers: ClinVar variation 2634013 (VCV002634013.1), dbSNP rs761945829, ClinGen allele CA2812895.

ClinVar aggregate classification (germline): Uncertain significance (1 of 4 stars; one submission).

Conditions:
NSD2-related disorder. Also called: NSD2 related disorders; NSD2-related condition.

Allele frequency attached by ClinVar (database versions not stated): TOPMed below 0.00001; ExAC 0.00001; gnomAD exomes 0.00001.
gnomAD v4.1: 15 of 1,614,070 alleles (0.00093%); highest among the groups gnomAD compares: Non-Finnish European, 0.0013%; no homozygotes.

Submission:

PreventionGenetics, part of Exact Sciences
Classification: Uncertain significance for NSD2-related condition. Last evaluated: 2023-09-26. Review status: criteria provided, single submitter. Criteria: ACMG Guidelines, 2015. Collection method: clinical testing. Allele origin: germline.
Comment: The NSD2 c.3881C>T variant is predicted to result in the amino acid substitution p.Ser1294Leu. To our knowledge, this variant has not been reported in the literature. This variant is reported in 0.0054% of alleles in individuals of East Asian descent in gnomAD. At this time, the clinical significance of this variant is uncertain due to the absence of conclusive functional and genetic evidence.